The following is an entry in ClinVar:

NM_015311.3(OBSL1):c.3082G>C (p.Glu1028Gln)

Gene: OBSL1 (obscurin like cytoskeletal adaptor 1; minus strand). Cytogenetic location: 2q35.
Variant type: single nucleotide variant.
Coding change: c.3082G>C on transcript NM_015311.3 (MANE Select); coding-DNA position 3082, G replaced by C.
Protein change: p.Glu1028Gln; replaces glutamic acid 1028 with glutamine.
Molecular consequence: missense variant.
Genome position (GRCh38, 1-based): chr2:219,559,369, C>G on the plus strand (G>C on the coding strand, the complement: OBSL1 is on the minus strand). VCF-style: chr2-219559369-C-G. GRCh37 (hg19) VCF-style: chr2-220424091-C-G.
Other names: c.3082G>C, p.Glu1028Gln (NM_001173431.2); short protein forms E1028Q.
Identifiers: ClinVar variation 715907 (VCV000715907.14), dbSNP rs200920323, ClinGen allele CA2130971.

ClinVar aggregate classification (germline): Conflicting classifications of pathogenicity. Review status: criteria provided, conflicting classifications (1 of 4 stars). 3 submissions from 3 submitters: Uncertain significance (1); Likely benign (2). Last evaluated 2026-06-04.

Conditions:
Inborn genetic diseases. Identifiers: MedGen C0950123, MeSH D030342.

Allele frequency attached by ClinVar (database versions not stated): gnomAD exomes 0.00026 and 0.00008; ESP Exome Variant Server 0.00054; 1000 Genomes Project 30x 0.00078; 1000 Genomes Project 0.00080; gnomAD 0.00092 and 0.00101; TOPMed 0.00114; ExAC 0.00026.
gnomAD v4.1: 267 of 1,614,016 alleles (0.017%); highest among the groups gnomAD compares: African/African-American, 0.3%; 1 homozygote.

Submissions (3):

Women's Health and Genetics/Laboratory Corporation of America, LabCorp
Classification: Likely benign. Last evaluated: 2026-06-04. Review status: criteria provided, single submitter. Criteria: LabCorp Variant Classification Summary - May 2015. Collection method: clinical testing. Allele origin: germline.
Comment: Variant summary: OBSL1 c.3082G>C (p.Glu1028Gln) results in a conservative amino acid change located in the Immunoglobulin subtype 2 domain (IPR003598) of the encoded protein sequence. Algorithms developed to predict the effect of missense changes on protein structure and function are either unavailable or do not agree on the potential impact of this missense change. The variant allele was found at a frequency of 0.00026 in 249330 control chromosomes, predominantly at a frequency of 0.0033 within the African or African-American subpopulation in the gnomAD database. The observed variant frequency within African or African-American control individuals in the gnomAD database exceeds the estimated maximal expected allele frequency for disease-causing variants in OBSL1. To our knowledge, no occurrence of c.3082G>C in individuals affected with OBSL1-related conditions and no experimental evidence demonstrating its impact on protein function have been reported. ClinVar contains an entry for this variant (Variation ID: 715907). Based on the evidence outlined above, the variant was classified as likely benign.

Labcorp Genetics (formerly Invitae), Labcorp
Classification: Likely benign. Last evaluated: 2026-01-04. Review status: criteria provided, single submitter. Criteria: Invitae Variant Classification Sherloc (09022015). Collection method: clinical testing. Allele origin: germline.

Ambry Genetics
Classification: Uncertain significance for Inborn genetic diseases. Last evaluated: 2025-05-19. Review status: criteria provided, single submitter. Criteria: Ambry Variant Classification Scheme 2023. Collection method: clinical testing. Allele origin: germline.